The following is an entry in ClinVar:

NM_004333.6(BRAF):c.789_790del (p.Cys264fs)

Gene: BRAF (B-Raf proto-oncogene, serine/threonine kinase; minus strand). Cytogenetic location: 7q34.
Variant type: Deletion.
Coding change: c.789_790del on transcript NM_004333.6 (MANE Select); coding-DNA positions 789 to 790, 2 bases deleted (AT; older notation c.789_790delAT).
Protein change: p.Cys264fs; shifts the reading frame from cysteine 264.
Molecular consequence: frameshift variant.
Genome position (GRCh38, 1-based): chr7:140,801,482-140,801,483, AT deleted on the plus strand (AT on the coding strand, the reverse complement: BRAF is on the minus strand). VCF-style (leftmost placement, unchanged base first): chr7-140801481-CAT-C. GRCh37 (hg19) VCF-style: chr7-140501281-CAT-C.
Other names: c.789_790del, p.Cys264fs (NM_001354609.2, NM_001374244.1, NM_001374258.1 and 4 more transcripts); c.798_799del, p.Cys267fs (NM_001378467.1); c.687_688del, p.Cys230fs (NM_001378470.1); c.633_634del, p.Cys212fs (NM_001378472.1, NM_001378473.1); c.525_526del, p.Cys176fs (NM_001378475.1); short protein forms C230fs, C176fs, C212fs, C264fs, C267fs.
Identifiers: ClinVar variation 931893 (VCV000931893.3), dbSNP rs1803104915, ClinGen allele CA1139660288.

ClinVar aggregate classification (germline): Uncertain significance (1 of 4 stars; one submission).

Conditions:
Cardiofaciocutaneous syndrome 1 (CFC1). Also called: BRAF-Related Cardiofaciocutaneous Syndrome; MAP2K1-Related Cardiofaciocutaneous Syndrome; KRAS-Related Cardiofaciocutaneous Syndrome; MAP2K2-Related Cardiofaciocutaneous Syndrome. Identifiers: Orphanet 1340, MedGen CN029449, MONDO:0007265, OMIM 115150. Disease mechanism: gain of function.

Allele frequency attached by ClinVar (database versions not stated): gnomAD exomes below 0.00001.

Submission:

Centre for Mendelian Genomics, University Medical Centre Ljubljana
Classification: Uncertain significance for Cardiofaciocutaneous syndrome 1. Last evaluated: 2018-10-15. Review status: criteria provided, single submitter. Criteria: ACMG Guidelines, 2015. Collection method: clinical testing. Allele origin: unknown. Affected: yes.
Comment: This variant was classified as: Uncertain significance. The available evidence on this variant's pathogenicity is insufficient or conflicting. The following ACMG criteria were applied in classifying this variant: PM2.